The following is an entry in ClinVar:

ClinVar aggregate classification (germline): Uncertain significance (1 of 4 stars; one submission).

Conditions:
Leber congenital amaurosis 9 (LCA9). Also called: LCA9 Leber Congenital Amaurosis; LCA 9; Amaurosis congenita of Leber, type 9. Identifiers: Orphanet 65, MedGen C1837873, MONDO:0012056, OMIM 608553.

Submission:

Labcorp Genetics (formerly Invitae), Labcorp
Classification: Uncertain significance for Leber congenital amaurosis 9. Last evaluated: 2022-10-13. Review status: criteria provided, single submitter. Criteria: Invitae Variant Classification Sherloc (09022015). Collection method: clinical testing. Allele origin: germline.
Comment: This sequence change replaces glutamic acid, which is acidic and polar, with lysine, which is basic and polar, at codon 8 of the NMNAT1 protein (p.Glu8Lys). This variant is not present in population databases (gnomAD no frequency). This variant has not been reported in the literature in individuals affected with NMNAT1-related conditions. ClinVar contains an entry for this variant (Variation ID: 1022764). Advanced modeling of protein sequence and biophysical properties (such as structural, functional, and spatial information, amino acid conservation, physicochemical variation, residue mobility, and thermodynamic stability) performed at Invitae indicates that this missense variant is not expected to disrupt NMNAT1 protein function. In summary, the available evidence is currently insufficient to determine the role of this variant in disease. Therefore, it has been classified as a Variant of Uncertain Significance.

NM_022787.4(NMNAT1):c.22G>A (p.Glu8Lys)

Gene: NMNAT1 (nicotinamide nucleotide adenylyltransferase 1; plus strand). Cytogenetic location: 1p36.22.
Variant type: single nucleotide variant.
Coding change: c.22G>A on transcript NM_022787.4 (MANE Select); coding-DNA position 22, G replaced by A.
Protein change: p.Glu8Lys; replaces glutamic acid 8 with lysine.
Molecular consequence: missense variant.
Genome position (GRCh38, 1-based): chr1:9,972,095, G>A. VCF-style: chr1-9972095-G-A. GRCh37 (hg19) VCF-style: chr1-10032153-G-A.
Other names: c.22G>A, p.Glu8Lys (NM_001297778.1, NM_001297779.2); short protein forms E8K.
Identifiers: ClinVar variation 1022764 (VCV001022764.6), dbSNP rs1641702008, ClinGen allele CA338683303.